The following is an entry in ClinVar:

NM_002474.3(MYH11):c.5347A>G (p.Asn1783Asp)

Genes: NDE1 (nudE neurodevelopment protein 1; plus strand), MYH11 (myosin heavy chain 11; minus strand). Cytogenetic location: 16p13.11.
Variant type: single nucleotide variant.
Coding change: c.5347A>G on transcript NM_002474.3 (MANE Select); coding-DNA position 5347, A replaced by G.
Protein change: p.Asn1783Asp; replaces asparagine 1783 with aspartic acid.
Molecular consequence: missense variant. On other transcripts: intron variant (2).
Genome position (GRCh38, 1-based): chr16:15,717,297, T>C on the plus strand (A>G on the coding strand, the complement: MYH11 is on the minus strand). VCF-style: chr16-15717297-T-C. GRCh37 (hg19) VCF-style: chr16-15811154-T-C.
Other names: c.5368A>G, p.Asn1790Asp (NM_001040113.2, NM_001040114.2); c.5347A>G, p.Asn1783Asp (NM_022844.3); c.948-6894T>C (NM_001143979.2, NM_017668.3); short protein forms N1790D, N1783D.
Identifiers: ClinVar variation 3915423 (VCV003915423.1).

ClinVar aggregate classification (germline): Uncertain significance (1 of 4 stars; one submission).

Conditions:
Familial thoracic aortic aneurysm and aortic dissection (TAAD). Also called: Thoracic aortic aneurysms and dissections. Identifiers: Orphanet 91387, MedGen C4707243, MONDO:0019625.

gnomAD v4.1: 3 of 1,612,896 alleles (0.00019%); highest among the groups gnomAD compares: African/African-American, 0.0027%; no homozygotes.

Submission:

Ambry Genetics
Classification: Uncertain significance for Familial thoracic aortic aneurysm and aortic dissection. Last evaluated: 2025-05-30. Review status: criteria provided, single submitter. Criteria: Ambry Variant Classification Scheme 2023. Collection method: clinical testing. Allele origin: germline.
Comment: The p.N1783D variant (also known as c.5347A>G), located in coding exon 37 of the MYH11 gene, results from an A to G substitution at nucleotide position 5347. The asparagine at codon 1783 is replaced by aspartic acid, an amino acid with highly similar properties. This amino acid position is conserved. In addition, this alteration is predicted to be tolerated by in silico analysis. Based on the available evidence, the clinical significance of this variant remains unclear.